The following is an entry in ClinVar:

ClinVar aggregate classification (germline): Uncertain significance (0 of 4 stars; one submission).

Conditions:
CSMD3-related disorder. Also called: CSMD3-related condition.

Submission:

PreventionGenetics, part of Exact Sciences
Classification: Uncertain significance for CSMD3-related condition. Last evaluated: 2024-03-08. Review status: no assertion criteria provided. Collection method: clinical testing. Allele origin: germline.
Comment: The CSMD3 c.3790A>T variant is predicted to result in the amino acid substitution p.Asn1264Tyr. To our knowledge, this variant has not been reported in the literature or in a large population database, indicating this variant is rare. At this time, the clinical significance of this variant is uncertain due to the absence of conclusive functional and genetic evidence.

NM_198123.2(CSMD3):c.3790A>T (p.Asn1264Tyr)

Gene: CSMD3 (CUB and Sushi multiple domains 3; minus strand). Cytogenetic location: 8q23.3.
Variant type: single nucleotide variant.
Coding change: c.3790A>T on transcript NM_198123.2 (MANE Select); coding-DNA position 3790, A replaced by T.
Protein change: p.Asn1264Tyr; replaces asparagine 1264 with tyrosine.
Molecular consequence: missense variant.
Genome position (GRCh38, 1-based): chr8:112,587,161, T>A on the plus strand (A>T on the coding strand, the complement: CSMD3 is on the minus strand). VCF-style: chr8-112587161-T-A. GRCh37 (hg19) VCF-style: chr8-113599390-T-A.
Other names: c.3400A>T, p.Asn1134Tyr (NM_001363185.1); c.3478A>T, p.Asn1160Tyr (NM_052900.3); c.3670A>T, p.Asn1224Tyr (NM_198124.2); short protein forms N1134Y, N1160Y, N1224Y, N1264Y.
Identifiers: ClinVar variation 3349520 (VCV003349520.1).